The following is an entry in ClinVar:

NM_001211.6(BUB1B):c.2986T>G (p.Phe996Val)

Genes: BUB1B (BUB1 mitotic checkpoint serine/threonine kinase B; plus strand), BUB1B-PAK6 (BUB1B-PAK6 readthrough; plus strand). Cytogenetic location: 15q15.1.
Variant type: single nucleotide variant.
Coding change: c.2986T>G on transcript NM_001211.6 (MANE Select); coding-DNA position 2986, T replaced by G.
Protein change: p.Phe996Val; replaces phenylalanine 996 with valine.
Molecular consequence: missense variant. On other transcripts: intron variant (2).
Genome position (GRCh38, 1-based): chr15:40,220,592, T>G. VCF-style: chr15-40220592-T-G. GRCh37 (hg19) VCF-style: chr15-40512793-T-G.
Other names: c.-201+2925T>G (NM_001128628.3); c.-118+2925T>G (NM_001128629.3); short protein forms F996V.
Identifiers: ClinVar variation 3993700 (VCV003993700.1).

ClinVar aggregate classification (germline): Uncertain significance (1 of 4 stars; one submission).

Conditions:
Inborn genetic diseases. Identifiers: MedGen C0950123, MeSH D030342.

Submission:

Ambry Genetics
Classification: Uncertain significance for Inborn genetic diseases. Last evaluated: 2025-04-04. Review status: criteria provided, single submitter. Criteria: Ambry Variant Classification Scheme 2023. Collection method: clinical testing. Allele origin: germline.
Comment: The p.F996V variant (also known as c.2986T>G), located in coding exon 23 of the BUB1B gene, results from a T to G substitution at nucleotide position 2986. The phenylalanine at codon 996 is replaced by valine, an amino acid with highly similar properties. This amino acid position is conserved. In addition, the in silico prediction for this alteration is inconclusive. Based on the available evidence, the clinical significance of this variant remains unclear.